The following is an entry in ClinVar:

NM_001195263.2(PDZD7):c.2795G>A (p.Arg932His)

Gene: PDZD7 (PDZ domain containing 7; minus strand). Cytogenetic location: 10q24.31.
Variant type: single nucleotide variant.
Coding change: c.2795G>A on transcript NM_001195263.2 (MANE Select); coding-DNA position 2795, G replaced by A.
Protein change: p.Arg932His; replaces arginine 932 with histidine.
Molecular consequence: missense variant.
Genome position (GRCh38, 1-based): chr10:101,008,774, C>T on the plus strand (G>A on the coding strand, the complement: PDZD7 is on the minus strand). VCF-style: chr10-101008774-C-T. GRCh37 (hg19) VCF-style: chr10-102768531-C-T.
Other names: short protein forms R932H.
Identifiers: ClinVar variation 1479095 (VCV001479095.4), dbSNP rs1178415802, ClinGen allele CA378223329.

ClinVar aggregate classification (germline): Uncertain significance. Review status: criteria provided, multiple submitters, no conflicts (2 of 4 stars). 2 submissions from 2 submitters: Uncertain significance (2). Last evaluated 2022-07-26.

Allele frequency attached by ClinVar (database versions not stated): TOPMed 0.00001; gnomAD exomes 0.00002.
gnomAD v4.1: 22 of 1,535,368 alleles (0.0014%); highest among the groups gnomAD compares: Middle Eastern, 0.033%; no homozygotes.

Submissions (2):

Labcorp Genetics (formerly Invitae), Labcorp
Classification: Uncertain significance. Last evaluated: 2022-07-26. Review status: criteria provided, single submitter. Criteria: Invitae Variant Classification Sherloc (09022015). Collection method: clinical testing. Allele origin: germline.
Comment: This sequence change replaces arginine, which is basic and polar, with histidine, which is basic and polar, at codon 932 of the PDZD7 protein (p.Arg932His). This variant is present in population databases (no rsID available, gnomAD 0.02%). This variant has not been reported in the literature in individuals affected with PDZD7-related conditions. ClinVar contains an entry for this variant (Variation ID: 1479095). Algorithms developed to predict the effect of missense changes on protein structure and function are either unavailable or do not agree on the potential impact of this missense change (SIFT: "Deleterious"; PolyPhen-2: "Not Available"; Align-GVGD: "Class C0"). In summary, the available evidence is currently insufficient to determine the role of this variant in disease. Therefore, it has been classified as a Variant of Uncertain Significance.

Breakthrough Genomics
Classification: Uncertain significance. Review status: criteria provided, single submitter. Criteria: ACMG Guidelines, 2015. Collection method: not provided. Allele origin: germline. Inheritance: Autosomal recessive inheritance. Affected: yes.